The following is an entry in ClinVar:

NM_152594.3(SPRED1):c.626T>C (p.Met209Thr)

Gene: SPRED1 (sprouty related EVH1 domain containing 1; plus strand). Cytogenetic location: 15q14.
Variant type: single nucleotide variant.
Coding change: c.626T>C on transcript NM_152594.3 (MANE Select); coding-DNA position 626, T replaced by C.
Protein change: p.Met209Thr; replaces methionine 209 with threonine.
Molecular consequence: missense variant.
Genome position (GRCh38, 1-based): chr15:38,349,465, T>C. VCF-style: chr15-38349465-T-C. GRCh37 (hg19) VCF-style: chr15-38641666-T-C.
Other names: short protein forms M209T.
Identifiers: ClinVar variation 3448792 (VCV003448792.3).

ClinVar aggregate classification (germline): Uncertain significance. Review status: criteria provided, multiple submitters, no conflicts (2 of 4 stars). 2 submissions from 2 submitters: Uncertain significance (2). Last evaluated 2024-11-22.

Conditions:
Cardiovascular phenotype. Identifiers: MedGen CN230736.
Legius syndrome. Identifiers: Orphanet 137605, MedGen C1969623, MONDO:0012669, OMIM 611431. Disease mechanism: loss of function.

Submissions (2):

Ambry Genetics
Classification: Uncertain significance for Cardiovascular phenotype. Last evaluated: 2024-11-22. Review status: criteria provided, single submitter. Criteria: Ambry Variant Classification Scheme 2023. Collection method: clinical testing. Allele origin: germline.
Comment: The p.M209T variant (also known as c.626T>C), located in coding exon 6 of the SPRED1 gene, results from a T to C substitution at nucleotide position 626. The methionine at codon 209 is replaced by threonine, an amino acid with similar properties. This amino acid position is conserved. In addition, this alteration is predicted to be tolerated by in silico analysis. Based on the available evidence, the clinical significance of this variant remains unclear.

Labcorp Genetics (formerly Invitae), Labcorp
Classification: Uncertain significance for Legius syndrome. Last evaluated: 2024-10-10. Review status: criteria provided, single submitter. Criteria: Invitae Variant Classification Sherloc (09022015). Collection method: clinical testing. Allele origin: germline.
Comment: This sequence change replaces methionine, which is neutral and non-polar, with threonine, which is neutral and polar, at codon 209 of the SPRED1 protein (p.Met209Thr). This variant is not present in population databases (gnomAD no frequency). This variant has not been reported in the literature in individuals affected with SPRED1-related conditions. Invitae Evidence Modeling of protein sequence and biophysical properties (such as structural, functional, and spatial information, amino acid conservation, physicochemical variation, residue mobility, and thermodynamic stability) indicates that this missense variant is not expected to disrupt SPRED1 protein function with a negative predictive value of 80%. In summary, the available evidence is currently insufficient to determine the role of this variant in disease. Therefore, it has been classified as a Variant of Uncertain Significance.